The following is an entry in ClinVar:

NM_001385.3(DPYS):c.528C>T (p.Tyr176=)

Gene: DPYS (dihydropyrimidinase; minus strand). Cytogenetic location: 8q22.3.
Variant type: single nucleotide variant.
Coding change: c.528C>T on transcript NM_001385.3 (MANE Select); coding-DNA position 528, C replaced by T.
Protein change: p.Tyr176=; no amino-acid change (tyrosine 176 retained).
Molecular consequence: synonymous variant.
Genome position (GRCh38, 1-based): chr8:104,447,399, G>A on the plus strand (C>T on the coding strand, the complement: DPYS is on the minus strand). VCF-style: chr8-104447399-G-A. GRCh37 (hg19) VCF-style: chr8-105459627-G-A.
Identifiers: ClinVar variation 788274 (VCV000788274.18), dbSNP rs143825702, ClinGen allele CA4838551.

ClinVar aggregate classification (germline): Benign/Likely benign. Review status: criteria provided, multiple submitters, no conflicts (2 of 4 stars). 5 submissions from 5 submitters: Benign (1); Likely benign (4). Last evaluated 2026-04-01.

Conditions:
Dihydropyrimidinase deficiency (DPYSD). Also called: dihydropyrimidinuria; DPH DEFICIENCY; DPYS DEFICIENCY. Identifiers: Orphanet 38874, MedGen C0342803, MONDO:0009111, OMIM 222748.

Allele frequency attached by ClinVar (database versions not stated): 1000 Genomes Project 0.00140; 1000 Genomes Project 30x 0.00141; ExAC 0.00198; gnomAD exomes 0.00207 and 0.00398; gnomAD 0.00219 and 0.00229; TOPMed 0.00233; ESP Exome Variant Server 0.00292.
gnomAD v4.1: 6,093 of 1,613,904 alleles (0.38%); highest among the groups gnomAD compares: Non-Finnish European, 0.48%; 15 homozygotes.

Submissions (5):

CeGaT Center for Human Genetics Tuebingen
Classification: Likely benign. Last evaluated: 2026-04-01. Review status: criteria provided, single submitter. Criteria: CeGaT Center For Human Genetics Tuebingen Variant Classification Criteria Version 2. Collection method: clinical testing. Allele origin: germline. Affected: yes. Observed: 1 variant allele.
Comment: DPYS: BP4, BP7, BS2

Labcorp Genetics (formerly Invitae), Labcorp
Classification: Benign. Last evaluated: 2025-10-14. Review status: criteria provided, single submitter. Criteria: Invitae Variant Classification Sherloc (09022015). Collection method: clinical testing. Allele origin: germline.

Blueprint Genetics
Classification: Likely benign. Last evaluated: 2024-11-15. Review status: criteria provided, single submitter. Criteria: ACMG Guidelines, 2015. Collection method: clinical testing. Allele origin: germline.

Illumina Laboratory Services, Illumina
Classification: Likely benign for Dihydropyrimidinase deficiency. Last evaluated: 2018-01-13. Review status: criteria provided, single submitter. Criteria: ICSL Variant Classification Criteria 13 December 2019. Collection method: clinical testing. Allele origin: germline.
Comment: This variant was observed in the ICSL laboratory as part of a predisposition screen in an ostensibly healthy population. It had not been previously curated by ICSL or reported in the Human Gene Mutation Database (HGMD: prior to June 1st, 2018), and was therefore a candidate for classification through an automated scoring system. Utilizing variant allele frequency, disease prevalence and penetrance estimates, and inheritance mode, an automated score was calculated to assess if this variant is too frequent to cause the disease. Based on the score and internal cut-off values, a variant classified as likely benign is not then subjected to further curation. The score for this variant resulted in a classification of likely benign for this disease.

Breakthrough Genomics
Classification: Likely benign. Review status: criteria provided, single submitter. Criteria: ACMG Guidelines, 2015. Collection method: not provided. Allele origin: germline. Inheritance: Autosomal recessive inheritance. Affected: yes.